The following is an entry in ClinVar:

ClinVar aggregate classification (germline): Pathogenic. Review status: reviewed by expert panel (3 of 4 stars). 2 submissions from 2 submitters: Pathogenic (1). 1 of the submissions does not count toward it. Last evaluated 2016-10-18.

Conditions:
Breast-ovarian cancer, familial, susceptibility to, 2 (BROVCA2). Also called: BRCA2 Hereditary Breast and Ovarian Cancer. Identifiers: Orphanet 145, MedGen C2675520, MONDO:0012933, OMIM 612555. Disease mechanism: loss of function.

Submissions (2):

Evidence-based Network for the Interpretation of Germline Mutant Alleles (ENIGMA)
Classification: Pathogenic for Breast-ovarian cancer, familial, susceptibility to, 2. Last evaluated: 2016-10-18. Review status: reviewed by expert panel. Criteria: ENIGMA BRCA1/2 Classification Criteria (2015). Collection method: curation. Allele origin: germline.
Comment: Variant allele predicted to encode a truncated non-functional protein.

Consortium of Investigators of Modifiers of BRCA1/2 (CIMBA), c/o University of Cambridge
Classification: Pathogenic for Breast-ovarian cancer, familial, susceptibility to, 2. Last evaluated: 2015-10-02. Review status: criteria provided, single submitter. Criteria: CIMBA Mutation Classification guidelines May 2016. Collection method: clinical testing. Allele origin: germline. Not counted in ClinVar's aggregate classification.

NM_000059.4(BRCA2):c.8986_8987insAGAT (p.Leu2996Ter)

Gene: BRCA2 (BRCA2 DNA repair associated; plus strand). Cytogenetic location: 13q13.1.
Variant type: Insertion.
Coding change: c.8986_8987insAGAT on transcript NM_000059.4 (MANE Select); coding-DNA positions 8986 to 8987, AGAT inserted.
Protein change: p.Leu2996Ter; replaces leucine 2996 with a stop codon.
Molecular consequence: nonsense.
Genome position: GRCh38 VCF-style: chr13-32379781-T-TTAGA. GRCh37 (hg19) VCF-style: chr13-32953918-T-TTAGA.
Other names: 9213ins4-ter3018; short protein forms L2996*.
Identifiers: ClinVar variation 267126 (VCV000267126.5), dbSNP rs886040808, ClinGen allele CA10589535.